The following is an entry in ClinVar:

NM_001298.3(CNGA3):c.57G>T (p.Lys19Asn)

Gene: CNGA3 (cyclic nucleotide gated channel subunit alpha 3; plus strand). Cytogenetic location: 2q11.2.
Variant type: single nucleotide variant.
Coding change: c.57G>T on transcript NM_001298.3 (MANE Select); coding-DNA position 57, G replaced by T.
Protein change: p.Lys19Asn; replaces lysine 19 with asparagine.
Molecular consequence: missense variant.
Genome position (GRCh38, 1-based): chr2:98,370,032, G>T. VCF-style: chr2-98370032-G-T. GRCh37 (hg19) VCF-style: chr2-98986495-G-T.
Other names: c.57G>T, p.Lys19Asn (NM_001079878.2); short protein forms K19N.
Identifiers: ClinVar variation 1435557 (VCV001435557.5), dbSNP rs747940315, ClinGen allele CA1793543.

ClinVar aggregate classification (germline): Uncertain significance (1 of 4 stars; one submission).

Allele frequency attached by ClinVar (database versions not stated): gnomAD exomes below 0.00001; ExAC 0.00001; gnomAD 0.00002; TOPMed 0.00002.
gnomAD v4.1: 5 of 1,613,876 alleles (0.00031%); highest among the groups gnomAD compares: African/African-American, 0.0053%; no homozygotes.

Submission:

Labcorp Genetics (formerly Invitae), Labcorp
Classification: Uncertain significance. Last evaluated: 2021-08-05. Review status: criteria provided, single submitter. Criteria: Invitae Variant Classification Sherloc (09022015). Collection method: clinical testing. Allele origin: germline.
Comment: This sequence change replaces lysine with asparagine at codon 19 of the CNGA3 protein (p.Lys19Asn). The lysine residue is weakly conserved and there is a moderate physicochemical difference between lysine and asparagine. The frequency data for this variant in the population databases is considered unreliable, as metrics indicate poor data quality at this position in the ExAC database. This variant has not been reported in the literature in individuals affected with CNGA3-related conditions. Advanced modeling of protein sequence and biophysical properties (such as structural, functional, and spatial information, amino acid conservation, physicochemical variation, residue mobility, and thermodynamic stability) performed at Invitae indicates that this missense variant is not expected to disrupt CNGA3 protein function. In summary, the available evidence is currently insufficient to determine the role of this variant in disease. Therefore, it has been classified as a Variant of Uncertain Significance.